The following is an entry in ClinVar:

ClinVar aggregate classification (germline): Conflicting classifications of pathogenicity. Review status: criteria provided, conflicting classifications (1 of 4 stars). 10 submissions from 10 submitters: Uncertain significance (1); Benign (1); Likely benign (5). 3 of the submissions do not count toward it. Last evaluated 2025-12-29.

Conditions:
Connective tissue disorder. Also called: Connective tissue disease. Identifiers: MedGen C0009782, MONDO:0003900.
Congenital contractural arachnodactyly (CCA). Also called: BEALS SYNDROME; Arthrogryposis, distal, type 9; Beals-Hecht syndrome. Identifiers: Orphanet 115, MedGen C0220668, MONDO:0007363, OMIM 121050.

Allele frequency attached by ClinVar (database versions not stated): ESP Exome Variant Server 0.00008; gnomAD exomes 0.00019 and 0.00022; ExAC 0.00020; TOPMed 0.00025; gnomAD 0.00026 and 0.00028; 1000 Genomes Project 30x 0.00031; 1000 Genomes Project 0.00040.
gnomAD v4.1: 326 of 1,612,848 alleles (0.02%); highest among the groups gnomAD compares: Middle Eastern, 0.099%; 1 homozygote.

Submissions (10):

Labcorp Genetics (formerly Invitae), Labcorp
Classification: Likely benign for Congenital contractural arachnodactyly. Last evaluated: 2025-12-29. Review status: criteria provided, single submitter. Criteria: Invitae Variant Classification Sherloc (09022015). Collection method: clinical testing. Allele origin: germline.

Women's Health and Genetics/Laboratory Corporation of America, LabCorp
Classification: Likely benign. Last evaluated: 2025-11-25. Review status: criteria provided, single submitter. Criteria: LabCorp Variant Classification Summary - May 2015. Collection method: clinical testing. Allele origin: germline.

Blueprint Genetics
Classification: Likely benign. Last evaluated: 2024-10-23. Review status: criteria provided, single submitter. Criteria: ACMG Guidelines, 2015. Collection method: clinical testing. Allele origin: germline.

Genome Diagnostics Laboratory, The Hospital for Sick Children
Classification: Likely benign for Connective tissue disorder. Last evaluated: 2019-09-01. Review status: criteria provided, single submitter. Criteria: ACMG Guidelines, 2015. Collection method: clinical testing. Allele origin: germline.

Illumina Laboratory Services, Illumina
Classification: Uncertain significance for Congenital contractural arachnodactyly. Last evaluated: 2018-01-13. Review status: criteria provided, single submitter. Criteria: ICSL Variant Classification Criteria 13 December 2019. Collection method: clinical testing. Allele origin: germline.

Center for Human Genetics, Inc
Classification: Likely benign for Connective tissue disorder. Last evaluated: 2016-11-01. Review status: criteria provided, single submitter. Criteria: ACMG Guidelines, 2015. Collection method: clinical testing. Allele origin: germline. Affected: yes.

GeneDx
Classification: Benign. Last evaluated: 2013-07-22. Review status: criteria provided, single submitter. Criteria: GeneDx Variant Classification (06012015). Collection method: clinical testing. Allele origin: germline. Affected: yes.
Comment: This variant is considered likely benign or benign based on one or more of the following criteria: it is a conservative change, it occurs at a poorly conserved position in the protein, it is predicted to be benign by multiple in silico algorithms, and/or has population frequency not consistent with disease.

Clinical Genetics DNA and cytogenetics Diagnostics Lab, Erasmus MC, Erasmus Medical Center
Classification: Likely benign. Review status: no assertion criteria provided. Collection method: clinical testing. Allele origin: germline. Affected: yes. Study: VKGL Data-share Consensus. Not counted in ClinVar's aggregate classification.

Genome Diagnostics Laboratory, University Medical Center Utrecht
Classification: Likely benign. Review status: no assertion criteria provided. Collection method: clinical testing. Allele origin: germline. Affected: yes. Study: VKGL Data-share Consensus. Not counted in ClinVar's aggregate classification.

Joint Genome Diagnostic Labs from Nijmegen and Maastricht, Radboudumc and MUMC+
Classification: Likely benign. Review status: no assertion criteria provided. Collection method: clinical testing. Allele origin: germline. Affected: yes. Study: VKGL Data-share Consensus. Not counted in ClinVar's aggregate classification.

NM_001999.4(FBN2):c.1850-9C>T

Gene: FBN2 (fibrillin 2; minus strand). Cytogenetic location: 5q23.3.
Variant type: single nucleotide variant.
Coding change: c.1850-9C>T on transcript NM_001999.4 (MANE Select); 9 bases into the intron before coding-DNA position 1850, C replaced by T.
Molecular consequence: intron variant.
Genome position (GRCh38, 1-based): chr5:128,376,862, G>A on the plus strand (C>T on the coding strand, the complement: FBN2 is on the minus strand). VCF-style: chr5-128376862-G-A. GRCh37 (hg19) VCF-style: chr5-127712555-G-A.
Identifiers: ClinVar variation 137318 (VCV000137318.25), dbSNP rs199937209, ClinGen allele CA290860.